The following is an entry in ClinVar:

NM_001370259.2(MEN1):c.1365G>A (p.Val455=)

Gene: MEN1 (menin 1; minus strand). Cytogenetic location: 11q13.1.
Variant type: single nucleotide variant.
Coding change: c.1365G>A on transcript NM_001370259.2 (MANE Select); coding-DNA position 1365, G replaced by A.
Protein change: p.Val455=; no amino-acid change (valine 455 retained).
Molecular consequence: synonymous variant. On other transcripts: non-coding transcript variant (4).
Genome position (GRCh38, 1-based): chr11:64,804,802, C>T on the plus strand (G>A on the coding strand, the complement: MEN1 is on the minus strand). VCF-style: chr11-64804802-C-T. GRCh37 (hg19) VCF-style: chr11-64572274-C-T.
Other names: c.1380G>A, p.Val460= (NM_000244.4, NM_001407145.1, NM_130800.3 and 4 more transcripts); c.1491G>A, p.Val497= (NM_001370251.2, NM_001407142.1, NM_001407143.1 and 1 more transcripts); c.1365G>A, p.Val455= (NM_001370260.2, NM_001370261.2, NM_001407146.1 and 2 more transcripts); c.1260G>A, p.Val420= (NM_001370262.2, NM_001370263.2, NM_001407148.1 and 1 more transcripts); c.1506G>A, p.Val502= (NM_001407150.1); c.1386G>A, p.Val462= (NM_001407151.1); c.1200G>A, p.Val400= (NM_001407152.1).
Identifiers: ClinVar variation 1956734 (VCV001956734.8), dbSNP rs2497131947, ClinGen allele CA475163693.

ClinVar aggregate classification (germline): Benign/Likely benign. Review status: criteria provided, multiple submitters, no conflicts (2 of 4 stars). 3 submissions from 3 submitters: Benign (1); Likely benign (2). Last evaluated 2025-11-23.

Conditions:
Hereditary cancer-predisposing syndrome. Also called: Tumor predisposition; Hereditary neoplastic syndrome; Hereditary Cancer Syndrome; Neoplastic Syndromes, Hereditary. Identifiers: Orphanet 140162, MedGen C0027672, MeSH D009386, MONDO:0015356.
Multiple endocrine neoplasia, type 1 (MEN1). Also called: MEA I; MEN I; WERMER SYNDROME; Endocrine adenomatosis multiple; MEN 1. Identifiers: Orphanet 652, MedGen C0025267, MeSH D018761, MONDO:0007540, OMIM 131100.

Allele frequency attached by ClinVar (database versions not stated): gnomAD exomes below 0.00001.
gnomAD v4.1: 1 of 1,597,230 alleles (0.000063%); highest among the groups gnomAD compares: Non-Finnish European, 0.000085%; no homozygotes.

Submissions (3):

Labcorp Genetics (formerly Invitae), Labcorp
Classification: Likely benign for Multiple endocrine neoplasia, type 1. Last evaluated: 2025-11-23. Review status: criteria provided, single submitter. Criteria: Invitae Variant Classification Sherloc (09022015). Collection method: clinical testing. Allele origin: germline.

Myriad Genetics, Inc.
Classification: Benign for Multiple endocrine neoplasia, type 1. Last evaluated: 2024-11-05. Review status: criteria provided, single submitter. Criteria: Myriad Autosomal Dominant, Autosomal Recessive and X-Linked Classification Criteria (2023). Collection method: clinical testing. Allele origin: unknown.
Comment: This variant is considered benign. This variant is a silent/synonymous amino acid change and it is not expected to impact splicing.

Ambry Genetics
Classification: Likely benign for Hereditary cancer-predisposing syndrome. Last evaluated: 2023-06-26. Review status: criteria provided, single submitter. Criteria: Ambry Variant Classification Scheme 2023. Collection method: clinical testing. Allele origin: germline.